The following is an entry in ClinVar:

ClinVar aggregate classification (germline): Uncertain significance. Review status: criteria provided, multiple submitters, no conflicts (2 of 4 stars). 12 submissions from 12 submitters: Uncertain significance (10). 2 of the submissions do not count toward it. Last evaluated 2026-01-23.

Conditions:
Hereditary cancer-predisposing syndrome. Also called: Hereditary Cancer Syndrome; Neoplastic Syndromes, Hereditary; Tumor predisposition; Hereditary neoplastic syndrome. Identifiers: Orphanet 140162, MedGen C0027672, MeSH D009386, MONDO:0015356.
Aplastic anemia. Identifiers: Orphanet 182040, Orphanet 88, MedGen C0002874, MONDO:0015909, OMIM 609135, HP:0001915.
Microcephaly, normal intelligence and immunodeficiency (NBS). Also called: IMMUNODEFICIENCY, MICROCEPHALY, AND CHROMOSOMAL INSTABILITY; SEEMANOVA SYNDROME II; Immunodeficiency, microcephaly with normal intelligence; Ataxia telangiectasia variant V1; Nijmegen breakage syndrome; Microcephaly with normal intelligence immunodeficiency and lymphoreticular malignancies. Identifiers: Orphanet 647, MedGen C0398791, MONDO:0009623, OMIM 251260.
Acute lymphoid leukemia (ALL). Also called: Leukemia, acute lymphoblastic, somatic; Lymphoblastic leukemia; Acute lymphoblastic leukemia; Acute lymphocytic leukemia. Identifiers: Orphanet 513, MedGen C0023449, MONDO:0004967, OMIM 613065, HP:0006721.
NBN-related disorder. Also called: NBN-related condition.

Allele frequency attached by ClinVar (database versions not stated): TOPMed 0.00003; gnomAD 0.00004; gnomAD exomes 0.00007 and 0.00008; ExAC 0.00008.
gnomAD v4.1: 128 of 1,612,876 alleles (0.0079%); highest among the groups gnomAD compares: Non-Finnish European, 0.0097%; no homozygotes.

Submissions (12):

Labcorp Genetics (formerly Invitae), Labcorp
Classification: Uncertain significance for Microcephaly, normal intelligence and immunodeficiency. Last evaluated: 2026-01-23. Review status: criteria provided, single submitter. Criteria: Invitae Variant Classification Sherloc (09022015). Collection method: clinical testing. Allele origin: germline.
Comment: This sequence change replaces isoleucine, which is neutral and non-polar, with arginine, which is basic and polar, at codon 228 of the NBN protein (p.Ile228Arg). This variant is present in population databases (rs777460725, gnomAD 0.01%). This missense change has been observed in individual(s) with Lynch syndrome (PMID: 25980754). This missense change has been observed to co-occur in individuals with a different variant in NBN that has been determined to be pathogenic (internal data), but the significance of this finding is unclear. ClinVar contains an entry for this variant (Variation ID: 186350). An algorithm developed to predict the effect of missense changes on protein structure and function (PolyPhen-2) suggests that this variant is likely to be disruptive. In summary, the available evidence is currently insufficient to determine the role of this variant in disease. Therefore, it has been classified as a Variant of Uncertain Significance.

GeneDx
Classification: Uncertain significance. Last evaluated: 2024-05-10. Review status: criteria provided, single submitter. Criteria: GeneDx Variant Classification Process June 2021. Collection method: clinical testing. Allele origin: germline. Affected: yes.
Comment: In silico analysis supports that this missense variant has a deleterious effect on protein structure/function; Published functional studies demonstrate loss of protein stability and sensitivity to mitomycin-C similar to a positive control (PMID: 37503171); Observed in individuals with breast cancer, Lynch-syndrome associated cancer and/or polyps, or B-cell acute lymphoblastic leukemia (PMID: 33471991, 25980754, 37503171); This variant is associated with the following publications: (PMID: 33471991, 25980754, 24894818, 37503171, 36346689, 38446568)

Baylor Genetics
Classification: Uncertain significance for Aplastic anemia. Last evaluated: 2024-02-04. Review status: criteria provided, single submitter. Criteria: ACMG Guidelines, 2015. Collection method: clinical testing. Allele origin: unknown.

Quest Diagnostics Nichols Institute San Juan Capistrano
Classification: Uncertain significance. Last evaluated: 2024-01-18. Review status: criteria provided, single submitter. Criteria: Quest Diagnostics criteria. Collection method: clinical testing. Allele origin: unknown.
Comment: The NBN c.683T>G (p.Ile228Arg) variant has been reported in the published literature in an individual suspected of Lynch Syndrome (PMID: 25980754 (2015)). In a large-scale breast cancer association study, the variant was observed in individuals with breast cancer as well as in reportedly healthy individual (PMID: 33471991 (2021), see also LOVD). The frequency of this variant in the general population, 0.00012 (16/128596 chromosomes (Genome Aggregation Database)), is uninformative in the assessment of its pathogenicity. Analysis of this variant using bioinformatics tools for the prediction of the effect of amino acid changes on protein structure and function yielded conflicting predictions that this variant is benign or damaging. Based on the available information, we are unable to determine the clinical significance of this variant.

Ambry Genetics
Classification: Uncertain significance for Hereditary cancer-predisposing syndrome. Last evaluated: 2023-05-10. Review status: criteria provided, single submitter. Criteria: Ambry Variant Classification Scheme 2023. Collection method: clinical testing. Allele origin: germline.
Comment: The p.I228R variant (also known as c.683T>G), located in coding exon 6 of the NBN gene, results from a T to G substitution at nucleotide position 683. The isoleucine at codon 228 is replaced by arginine, an amino acid with similar properties. This amino acid position is poorly conserved in available vertebrate species. In addition, the in silico prediction for this alteration is inconclusive. Since supporting evidence is limited at this time, the clinical significance of this alteration remains unclear.

Genome-Nilou Lab
Classification: Uncertain significance for Microcephaly, normal intelligence and immunodeficiency. Last evaluated: 2021-11-07. Review status: criteria provided, single submitter. Criteria: ACMG Guidelines, 2015. Collection method: clinical testing. Allele origin: germline. Affected: no.

Sema4
Classification: Uncertain significance for Hereditary cancer-predisposing syndrome. Last evaluated: 2021-06-01. Review status: criteria provided, single submitter. Criteria: Sema4 Curation Guidelines. Collection method: curation. Allele origin: germline.
Comment: The NBN c.683T>G (p.I228R) variant has been reported in at least one individual with Lynch syndrome-associated cancer and/or colorectal polyps (PMID: 25980754). It has also has been reported in 8/60466 breast cancer cases and 5/53461 healthy controls by a large case-control study (PMID: 33471991). It was observed in 16/128596 chromosomes of the Non-Finnish European subpopulation, with no homozygotes, in the large and broad cohorts of the Genome Aggregation Database (PMID: 32461654). The variant has been reported in ClinVar (Variation ID: 186350). In silico tools suggest the impact of the variant on protein function is inconclusive though these predictions have not been confirmed by functional studies. The evidence is insufficient to meet ACMG/AMP criteria for classifying the variant as benign or pathogenic. Thus, the clinical significance of this variant is currently uncertain.

ARUP Laboratories, Molecular Genetics and Genomics, ARUP Laboratories
Classification: Uncertain significance. Last evaluated: 2019-08-22. Review status: criteria provided, single submitter. Criteria: ARUP Molecular Germline Variant Investigation Process. Collection method: clinical testing. Allele origin: germline.
Comment: The NBN c.683T>G, p.(Ile228Arg) variant (rs777460725), to our knowledge, is not reported in the medical literature but is reported in ClinVar (Variation ID: 186350). This variant is listed in the Genome Aggregation Database (gnomAD) with an overall population frequency of 0.007 percent (identified on 20 out of 281,876 chromosomes). The isoleucine at position 228 is weakly conserved and computational analyses of the effects of the p.(Ile228Arg) variant on protein structure and function is deleterious (SIFT: damaging, PolyPhen-2: possibly damaging). Altogether, there is not enough evidence to classify the p.(Ile228Arg) variant with certainty.

Women's Health and Genetics/Laboratory Corporation of America, LabCorp
Classification: Uncertain significance. Last evaluated: 2019-03-28. Review status: criteria provided, single submitter. Criteria: LabCorp Variant Classification Summary - May 2015. Collection method: clinical testing. Allele origin: germline.
Comment: Variant summary: NBN c.683T>G (p.Ile228Arg) results in a non-conservative amino acid change located in the Nibrin, second BRCT domain of the encoded protein sequence. Four of five in-silico tools predict a damaging effect of the variant on protein function. The variant allele was found at a frequency of 6.5e-05 in 276394 control chromosomes (gnomAD). This frequency is not significantly higher than expected for a pathogenic variant in NBN causing Nijmegen Breakage Syndrome (6.5e-05 vs 0.0025), allowing no conclusion about variant significance. The variant, c.683T>G, has been reported in the literature in an individual being tested for Lynch Syndrome (Yurgelun_2015). These report does not provide unequivocal conclusions about association of the variant with Nijmegen Breakage Syndrome. To our knowledge, no experimental evidence demonstrating an impact on protein function has been reported. Four clinical diagnostic laboratories have submitted clinical-significance assessments for this variant to ClinVar after 2014 without evidence for independent evaluation. All laboratories classified the variant as uncertain significance. Based on the evidence outlined above, the variant was classified as uncertain significance.

Fulgent Genetics
Classification: Uncertain significance for Microcephaly, normal intelligence and immunodeficiency; Aplastic anemia; Acute lymphoid leukemia. Last evaluated: 2018-10-31. Review status: criteria provided, single submitter. Criteria: ACMG Guidelines, 2015. Collection method: clinical testing. Allele origin: unknown.

PreventionGenetics, part of Exact Sciences
Classification: Uncertain significance for NBN-related condition. Last evaluated: 2024-09-11. Review status: no assertion criteria provided. Collection method: clinical testing. Allele origin: germline. Not counted in ClinVar's aggregate classification.
Comment: The NBN c.683T>G variant is predicted to result in the amino acid substitution p.Ile228Arg. This variant has been reported as a variant of uncertain significance in an individual undergoing testing for Lynch syndrome (Table S2, Yurgelun et al. 2015. PubMed ID: 25980754). This variant has also been reported as a variant of uncertain significance in a study of NBN as a pan-cancer susceptibility gene (Table S2, Belhadj et al. 2023. PubMed ID: 36346689). This variant is reported in 0.012% of alleles in individuals of European (Non-Finnish) descent in gnomAD and has been interpreted as a variant of uncertain significance in the ClinVar database. At this time, the clinical significance of this variant is uncertain due to the absence of conclusive functional and genetic evidence.

Natera, Inc.
Classification: Uncertain significance for Nijmegen breakage syndrome. Last evaluated: 2020-09-16. Review status: no assertion criteria provided. Collection method: clinical testing. Allele origin: germline. Not counted in ClinVar's aggregate classification.

Literature cited by the submitters: PubMed 25980754 (cited by 4 submitters); PubMed 33471991 (cited by Quest Diagnostics Nichols Institute San Juan Capistrano and Sema4).

NM_002485.5(NBN):c.683T>G (p.Ile228Arg)

Gene: NBN (nibrin; minus strand). Cytogenetic location: 8q21.3.
Variant type: single nucleotide variant.
Coding change: c.683T>G on transcript NM_002485.5 (MANE Select); coding-DNA position 683, T replaced by G.
Protein change: p.Ile228Arg; replaces isoleucine 228 with arginine.
Molecular consequence: missense variant.
Genome position (GRCh38, 1-based): chr8:89,971,192, A>C on the plus strand (T>G on the coding strand, the complement: NBN is on the minus strand). VCF-style: chr8-89971192-A-C. GRCh37 (hg19) VCF-style: chr8-90983420-A-C.
Other names: c.437T>G, p.Ile146Arg (NM_001024688.3); short protein forms I228R, I146R.
Identifiers: ClinVar variation 186350 (VCV000186350.37), dbSNP rs777460725, ClinGen allele CA194560.